The following is an entry in ClinVar:

ClinVar aggregate classification (germline): Uncertain significance (1 of 4 stars; one submission).

Conditions:
Charcot-Marie-Tooth disease type 2. Also called: Charcot-Marie-Tooth type 2. Identifiers: Orphanet 64746, MedGen C0270914, MONDO:0018993.

Allele frequency attached by ClinVar (database versions not stated): gnomAD 0.00001; ExAC 0.00002; ESP Exome Variant Server 0.00015; TOPMed 0.00001.
gnomAD v4.1: 5 of 1,614,116 alleles (0.00031%); highest among the groups gnomAD compares: African/African-American, 0.0053%; no homozygotes.

Submission:

Labcorp Genetics (formerly Invitae), Labcorp
Classification: Uncertain significance for Charcot-Marie-Tooth disease type 2. Last evaluated: 2024-01-20. Review status: criteria provided, single submitter. Criteria: Invitae Variant Classification Sherloc (09022015). Collection method: clinical testing. Allele origin: germline.
Comment: This sequence change replaces serine, which is neutral and polar, with cysteine, which is neutral and slightly polar, at codon 508 of the MFN2 protein (p.Ser508Cys). This variant is present in population databases (rs138660745, gnomAD 0.008%). This variant has not been reported in the literature in individuals affected with MFN2-related conditions. Advanced modeling of protein sequence and biophysical properties (such as structural, functional, and spatial information, amino acid conservation, physicochemical variation, residue mobility, and thermodynamic stability) has been performed at Invitae for this missense variant, however the output from this modeling did not meet the statistical confidence thresholds required to predict the impact of this variant on MFN2 protein function. In summary, the available evidence is currently insufficient to determine the role of this variant in disease. Therefore, it has been classified as a Variant of Uncertain Significance.

NM_014874.4(MFN2):c.1523C>G (p.Ser508Cys)

Gene: MFN2 (mitofusin 2; plus strand). Cytogenetic location: 1p36.22.
Variant type: single nucleotide variant.
Coding change: c.1523C>G on transcript NM_014874.4 (MANE Select); coding-DNA position 1523, C replaced by G.
Protein change: p.Ser508Cys; replaces serine 508 with cysteine.
Molecular consequence: missense variant.
Genome position (GRCh38, 1-based): chr1:12,005,738, C>G. VCF-style: chr1-12005738-C-G. GRCh37 (hg19) VCF-style: chr1-12065795-C-G.
Other names: c.1523C>G, p.Ser508Cys (NM_001127660.2); short protein forms S508C.
Identifiers: ClinVar variation 2865609 (VCV002865609.3), dbSNP rs138660745, ClinGen allele CA599149.